The following is an entry in ClinVar:

NM_031475.3(ESPN):c.1325C>T (p.Pro442Leu)

Gene: ESPN (espin; plus strand). Cytogenetic location: 1p36.31.
Variant type: single nucleotide variant.
Coding change: c.1325C>T on transcript NM_031475.3 (MANE Select); coding-DNA position 1325, C replaced by T.
Protein change: p.Pro442Leu; replaces proline 442 with leucine.
Molecular consequence: missense variant.
Genome position (GRCh38, 1-based): chr1:6,445,796, C>T. VCF-style: chr1-6445796-C-T. GRCh37 (hg19) VCF-style: chr1-6505856-C-T.
Other names: c.1325C>T, p.Pro442Leu (NM_001367473.1, NM_001367474.1); short protein forms P442L.
Identifiers: ClinVar variation 3510357 (VCV003510357.2).

ClinVar aggregate classification (germline): Uncertain significance. Review status: criteria provided, multiple submitters, no conflicts (2 of 4 stars). 2 submissions from 2 submitters: Uncertain significance (2). Last evaluated 2024-10-14.

Conditions:
Inborn genetic diseases. Identifiers: MedGen C0950123, MeSH D030342.

Submissions (2):

GeneDx
Classification: Uncertain significance. Last evaluated: 2024-10-14. Review status: criteria provided, single submitter. Criteria: GeneDx Variant Classification Process June 2021. Collection method: clinical testing. Allele origin: germline. Affected: yes.
Comment: In silico analysis supports that this missense variant has a deleterious effect on protein structure/function; Has not been previously published as pathogenic or benign to our knowledge

Ambry Genetics
Classification: Uncertain significance for Inborn genetic diseases. Last evaluated: 2024-10-07. Review status: criteria provided, single submitter. Criteria: Ambry Variant Classification Scheme 2023. Collection method: clinical testing. Allele origin: germline.